The following is an entry in ClinVar:

ClinVar aggregate classification (germline): Pathogenic. Review status: criteria provided, multiple submitters, no conflicts (2 of 4 stars). 4 submissions from 4 submitters: Pathogenic (4). Last evaluated 2025-12-25.

Conditions:
CNGB3-related disorder. Also called: CNGB3-related condition; CNGB3-related disorders. Identifiers: MedGen CN239340.
Achromatopsia 3 (ACHM3). Also called: ACHROMATOPSIA WITH MYOPIA; PINGELAPESE BLINDNESS; TOTAL COLORBLINDNESS WITH MYOPIA; ROD MONOCHROMACY 1; ROD MONOCHROMATISM 1. Identifiers: Orphanet 49382, MedGen C1849792, MONDO:0009875, OMIM 262300.

Allele frequency attached by ClinVar (database versions not stated): gnomAD exomes below 0.00001.
gnomAD v4.1: 2 of 1,613,586 alleles (0.00012%); highest among the groups gnomAD compares: Non-Finnish European, 0.000085%; no homozygotes.

Submissions (4):

Labcorp Genetics (formerly Invitae), Labcorp
Classification: Pathogenic. Last evaluated: 2025-12-25. Review status: criteria provided, single submitter. Criteria: Invitae Variant Classification Sherloc (09022015). Collection method: clinical testing. Allele origin: germline.
Comment: This sequence change creates a premature translational stop signal (p.Trp189*) in the CNGB3 gene. It is expected to result in an absent or disrupted protein product. Loss-of-function variants in CNGB3 are known to be pathogenic (PMID: 28795510). This variant is present in population databases (no rsID available, gnomAD 0.0009%). This variant has not been reported in the literature in individuals affected with CNGB3-related conditions. ClinVar contains an entry for this variant (Variation ID: 1397138). Algorithms developed to predict the effect of sequence changes on RNA splicing suggest that this variant may disrupt the consensus splice site. For these reasons, this variant has been classified as Pathogenic.

Dasa
Classification: Pathogenic. Last evaluated: 2025-12-09. Review status: criteria provided, single submitter. Criteria: DASA Assertion Criteria. Collection method: clinical testing. Allele origin: germline.
Comment: NM_019098.5(CNGB3):c.566G>A (p.Trp189*) introduces a premature termination codon predicted to result in loss of normal protein function. Loss-of-function is an established mechanism of disease for this gene. This variant has been reported in individuals with related phenotype (PMID: 37372476). The variant is present at low frequency in population datasets. Based on the available data, this variant is classified as pathogenic.

Blueprint Genetics
Classification: Pathogenic for CNGB3-related disorders. Last evaluated: 2020-10-15. Review status: criteria provided, single submitter. Criteria: ACMG Guidelines, 2015. Collection method: clinical testing. Allele origin: germline. Affected: yes. Observed: 1 variant allele.

Kariminejad - Najmabadi Pathology & Genetics Center
Classification: Pathogenic for Achromatopsia 3. Review status: criteria provided, single submitter. Criteria: ACMG Guidelines, 2015. Collection method: clinical testing. Allele origin: germline. Affected: no.

Literature cited by the submitters: PubMed 28795510 (cited by Labcorp Genetics (formerly Invitae), Labcorp); PubMed 37372476 (cited by Dasa).

NM_019098.5(CNGB3):c.566G>A (p.Trp189Ter)

Gene: CNGB3 (cyclic nucleotide gated channel subunit beta 3; minus strand). Cytogenetic location: 8q21.3.
Variant type: single nucleotide variant.
Coding change: c.566G>A on transcript NM_019098.5 (MANE Select); coding-DNA position 566, G replaced by A.
Protein change: p.Trp189Ter; replaces tryptophan 189 with a stop codon.
Molecular consequence: nonsense.
Genome position (GRCh38, 1-based): chr8:86,668,096, C>T on the plus strand (G>A on the coding strand, the complement: CNGB3 is on the minus strand). VCF-style: chr8-86668096-C-T. GRCh37 (hg19) VCF-style: chr8-87680324-C-T.
Other names: short protein forms W189*.
Identifiers: ClinVar variation 1397138 (VCV001397138.9), dbSNP rs1458192795, ClinGen allele CA371449860.